The following is an entry in ClinVar:

NM_145207.3(AFG2A):c.2077A>C (p.Lys693Gln)

Gene: AFG2A (AAA ATPase AFG2A; plus strand). Cytogenetic location: 4q28.1.
Variant type: single nucleotide variant.
Coding change: c.2077A>C on transcript NM_145207.3 (MANE Select); coding-DNA position 2077, A replaced by C.
Protein change: p.Lys693Gln; replaces lysine 693 with glutamine.
Molecular consequence: missense variant.
Genome position (GRCh38, 1-based): chr4:123,028,393, A>C. VCF-style: chr4-123028393-A-C. GRCh37 (hg19) VCF-style: chr4-123949548-A-C.
Other names: c.2074A>C, p.Lys692Gln (NM_001317799.2, NM_001345856.2); short protein forms K692Q, K693Q.
Identifiers: ClinVar variation 3753232 (VCV003753232.2).
Genomic context (GRCh38, chr4:123,028,393, plus strand): 5'-TCTAAAACAATGATAGCAAAGGCTTTGGCCAATGAGAGTGGACTGAATTTTCTAGCTATA[A>C]AGGTAGGGTGTTAAATTTTTTAATCGCTACTCTCTCTTGGCCTCCCCCAACCCCCATTCT-3'
Protein context (NP_660208.2, residues 683-703): NESGLNFLAI[Lys693Gln]GPELMNKYVG

ClinVar aggregate classification (germline): Uncertain significance (1 of 4 stars; one submission).

Conditions:
Microcephaly-intellectual disability-sensorineural hearing loss-epilepsy-abnormal muscle tone syndrome (NEDHSB). Also called: NEURODEVELOPMENTAL DISORDER WITH HEARING LOSS, SEIZURES, AND BRAIN ABNORMALITIES. Identifiers: Orphanet 457351, MedGen C4225276, MONDO:0014698, OMIM 616577.

Submission:

Labcorp Genetics (formerly Invitae), Labcorp
Classification: Uncertain significance for Microcephaly-intellectual disability-sensorineural hearing loss-epilepsy-abnormal muscle tone syndrome. Last evaluated: 2024-05-03. Review status: criteria provided, single submitter. Criteria: Invitae Variant Classification Sherloc (09022015). Collection method: clinical testing. Allele origin: germline.
Comment: This sequence change replaces lysine, which is basic and polar, with glutamine, which is neutral and polar, at codon 693 of the SPATA5 protein (p.Lys693Gln). This variant is not present in population databases (gnomAD no frequency). This variant has not been reported in the literature in individuals affected with SPATA5-related conditions. An algorithm developed to predict the effect of missense changes on protein structure and function (PolyPhen-2) suggests that this variant is likely to be disruptive. In summary, the available evidence is currently insufficient to determine the role of this variant in disease. Therefore, it has been classified as a Variant of Uncertain Significance.